The following is an entry in ClinVar:

ClinVar aggregate classification (germline): Uncertain significance (1 of 4 stars; one submission).

Conditions:
PLXNA4-related disorder. Also called: PLXNA4-related condition.

Submission:

PreventionGenetics, part of Exact Sciences
Classification: Uncertain significance for PLXNA4-related condition. Last evaluated: 2026-04-27. Review status: criteria provided, single submitter. Criteria: ACMG Guidelines, 2015. Collection method: clinical testing. Allele origin: germline.
Comment: The PLXNA4 c.1041G>A variant is predicted to result in the amino acid substitution p.Met347Ile. To our knowledge, this variant has not been reported in the literature. This variant is reported in 0.0062% of alleles in individuals of African descent in gnomAD. At this time, the clinical significance of this variant is uncertain due to the absence of conclusive functional and genetic evidence.

NM_020911.2(PLXNA4):c.1041G>A (p.Met347Ile)

Gene: PLXNA4 (plexin A4; minus strand). Cytogenetic location: 7q32.3.
Variant type: single nucleotide variant.
Coding change: c.1041G>A on transcript NM_020911.2 (MANE Select); coding-DNA position 1041, G replaced by A.
Protein change: p.Met347Ile; replaces methionine 347 with isoleucine.
Molecular consequence: missense variant.
Genome position (GRCh38, 1-based): chr7:132,507,653, C>T on the plus strand (G>A on the coding strand, the complement: PLXNA4 is on the minus strand). VCF-style: chr7-132507653-C-T. GRCh37 (hg19) VCF-style: chr7-132192412-C-T.
Other names: c.1041G>A, p.Met347Ile (NM_001105543.2, NM_001393897.1, NM_181775.4); short protein forms M347I.
Identifiers: ClinVar variation 4988327 (VCV004988327.1).
Genomic context (GRCh38, chr7:132,507,653, plus strand): 5'-AATGCGGTCATTTATCTGCTTCAAGATGAAGATGCACAGGGCCGACTCATCCAGGGATTT[C>T]ATTTTCCGCTTCTGGCCCTTGGAGAAGACGGTGAAGAGCAGGTCATCATCTGGATGGACT-3'
Protein context (NP_065962.1, residues 337-357): TVFSKGQKRK[Met347Ile]KSLDESALCI